The following is an entry in ClinVar:

ClinVar aggregate classification (germline): Uncertain significance. Review status: criteria provided, multiple submitters, no conflicts (2 of 4 stars). 2 submissions from 2 submitters: Uncertain significance (2). Last evaluated 2025-11-19.

Conditions:
Inborn genetic diseases. Identifiers: MedGen C0950123, MeSH D030342.

Allele frequency attached by ClinVar (database versions not stated): gnomAD exomes 0.00002; gnomAD 0.00003; TOPMed 0.00004; ExAC 0.00007; 1000 Genomes Project 30x 0.00016; 1000 Genomes Project 0.00020.
gnomAD v4.1: 34 of 1,609,586 alleles (0.0021%); highest among the groups gnomAD compares: Admixed American, 0.017%; no homozygotes.

Submissions (2):

Labcorp Genetics (formerly Invitae), Labcorp
Classification: Uncertain significance. Last evaluated: 2025-11-19. Review status: criteria provided, single submitter. Criteria: Invitae Variant Classification Sherloc (09022015). Collection method: clinical testing. Allele origin: germline.
Comment: This sequence change replaces proline, which is neutral and non-polar, with leucine, which is neutral and non-polar, at codon 499 of the DVL1 protein (p.Pro499Leu). This variant is present in population databases (rs551168455, gnomAD 0.03%). This variant has not been reported in the literature in individuals affected with DVL1-related conditions. ClinVar contains an entry for this variant (Variation ID: 2059926). Invitae Evidence Modeling of protein sequence and biophysical properties (such as structural, functional, and spatial information, amino acid conservation, physicochemical variation, residue mobility, and thermodynamic stability) indicates that this missense variant is not expected to disrupt DVL1 protein function with a negative predictive value of 80%. In summary, the available evidence is currently insufficient to determine the role of this variant in disease. Therefore, it has been classified as a Variant of Uncertain Significance.

Ambry Genetics
Classification: Uncertain significance for Inborn genetic diseases. Last evaluated: 2024-11-11. Review status: criteria provided, single submitter. Criteria: Ambry Variant Classification Scheme 2023. Collection method: clinical testing. Allele origin: germline.

NM_001330311.2(DVL1):c.1571C>T (p.Pro524Leu)

Gene: DVL1 (dishevelled segment polarity protein 1; minus strand). Cytogenetic location: 1p36.33.
Variant type: single nucleotide variant.
Coding change: c.1571C>T on transcript NM_001330311.2 (MANE Select); coding-DNA position 1571, C replaced by T.
Protein change: p.Pro524Leu; replaces proline 524 with leucine.
Molecular consequence: missense variant.
Genome position (GRCh38, 1-based): chr1:1,338,120, G>A on the plus strand (C>T on the coding strand, the complement: DVL1 is on the minus strand). VCF-style: chr1-1338120-G-A. GRCh37 (hg19) VCF-style: chr1-1273500-G-A.
Other names: c.1496C>T, p.Pro499Leu (NM_004421.3); c.1496C>T (NM_004421.2); short protein forms P524L, P499L.
Identifiers: ClinVar variation 2059926 (VCV002059926.5), dbSNP rs551168455, ClinGen allele CA519999.